The following is an entry in ClinVar:

NM_015662.3(IFT172):c.2245G>A (p.Asp749Asn)

Gene: IFT172 (intraflagellar transport 172; minus strand). Cytogenetic location: 2p23.3.
Variant type: single nucleotide variant.
Coding change: c.2245G>A on transcript NM_015662.3 (MANE Select); coding-DNA position 2245, G replaced by A.
Protein change: p.Asp749Asn; replaces aspartic acid 749 with asparagine.
Molecular consequence: missense variant.
Genome position (GRCh38, 1-based): chr2:27,461,466, C>T on the plus strand (G>A on the coding strand, the complement: IFT172 is on the minus strand). VCF-style: chr2-27461466-C-T. GRCh37 (hg19) VCF-style: chr2-27684333-C-T.
Other names: c.2179G>A, p.Asp727Asn (NM_001410739.1); short protein forms D727N, D749N.
Identifiers: ClinVar variation 3355005 (VCV003355005.1).

ClinVar aggregate classification (germline): Uncertain significance (0 of 4 stars; one submission).

Conditions:
IFT172-related disorder. Also called: IFT172-related disorders; IFT172-related condition.

gnomAD v4.1: 2 of 1,614,142 alleles (0.00012%); highest among the groups gnomAD compares: Admixed American, 0.0033%; no homozygotes.

Submission:

PreventionGenetics, part of Exact Sciences
Classification: Uncertain significance for IFT172-related condition. Last evaluated: 2024-08-07. Review status: no assertion criteria provided. Collection method: clinical testing. Allele origin: germline.
Comment: The IFT172 c.2245G>A variant is predicted to result in the amino acid substitution p.Asp749Asn. To our knowledge, this variant has not been reported in the literature. This variant is reported in 0.0058% of alleles in individuals of Latino descent in gnomAD. At this time, the clinical significance of this variant is uncertain due to the absence of conclusive functional and genetic evidence.